The following is an entry in ClinVar:

ClinVar aggregate classification (germline): Uncertain significance (1 of 4 stars; one submission).

Submission:

Ambry Genetics
Classification: Uncertain significance. Last evaluated: 2024-12-07. Review status: criteria provided, single submitter. Criteria: Ambry Variant Classification Scheme 2023. Collection method: clinical testing. Allele origin: germline.
Comment: The p.M128V variant (also known as c.382A>G) is located in coding exon 3 of the ATRIP gene. The methionine at codon 128 is replaced by valine, an amino acid with highly similar properties. This change occurs in the first base pair of coding exon 3. This amino acid position is conserved. In addition, this alteration is predicted to be tolerated by in silico analysis. Based on the available evidence, the clinical significance of this variant remains unclear.

NM_130384.3(ATRIP):c.382A>G (p.Met128Val)

Genes: ATRIP (ATR interacting protein; plus strand), ATRIP-TREX1 (ATRIP-TREX1 readthrough; plus strand). Cytogenetic location: 3p21.31.
Variant type: single nucleotide variant.
Coding change: c.382A>G on transcript NM_130384.3 (MANE Select); coding-DNA position 382, A replaced by G.
Protein change: p.Met128Val; replaces methionine 128 with valine.
Molecular consequence: missense variant. On other transcripts: non-coding transcript variant (1), initiator codon variant (1).
Genome position (GRCh38, 1-based): chr3:48,451,729, A>G. VCF-style: chr3-48451729-A-G. GRCh37 (hg19) VCF-style: chr3-48493135-A-G.
Other names: c.1A>G, p.Met1Val (NM_001271022.2); c.103A>G, p.Met35Val (NM_001271023.2); c.382A>G, p.Met128Val (NM_032166.4); short protein forms M128V, M1V, M35V.
Identifiers: ClinVar variation 3465094 (VCV003465094.1).